The following is an entry in ClinVar:

Single allele

Genes: CFHR4 (complement factor H related 4; plus strand), LOC122149335 (Sharpr-MPRA regulatory region 8052; plus strand), LOC126805964 (CDK7 strongly-dependent group 2 enhancer GRCh37_chr1:196827453-196828652; plus strand). Cytogenetic location: 1q31.3.
Variant type: Deletion.
Identifiers: ClinVar variation 156763 (VCV000156763.2).

ClinVar aggregate classification (germline): not provided (0 of 4 stars; one submission).

Conditions:
Small for gestational age. Also called: Low birth weight. Identifiers: MedGen C0235991, HP:0001518.

Submission:

Institute of Molecular and Cell Biology, University of Tartu
No classification provided. Condition: Small for gestational age. Review status: no classification provided. Collection method: case-control. Allele origin: unknown. Affected: yes. Study: Kasak2014.
Comment: The study aimed to determine the contribution of copy number variants in the genetic etiology of normal and complicated pregnancies. The samples represented (i) maternal blood DNA drawn from healthy pregnant women during 1st or 2nd trimester and (ii) maternal and paternal blood DNA drawn at term pregnancy cases representing normal and complicated gestations (severe preeclampsia, PE; gestational diabetes, GD; small-for-gestational age newborn, SGA; large-for-gestational age newborn, LGA). We performed CNV calling based on genome-wide genotyping dataset (Illumina HumanOmniExpress-24-v1 BeadChip) by applying three algorithms, QuantiSNP, GADA (Genome Alteration Detection Algorithm) and CNstream in parallel. The acquired CNV calls were merged with HD-CNV (Hotspot Detector for Copy Number Variants) program and only the CNVs predicted by at least two programs, were considered in subsequent analysis.

Literature cited by the submitters: PubMed 25666259.